The following is an entry in ClinVar:

ClinVar aggregate classification (germline): Likely benign. Review status: criteria provided, single submitter (1 of 4 stars). 2 submissions from 2 submitters: Likely benign (1). 1 of the submissions does not count toward it. Last evaluated 2023-11-01.

Conditions:
PRR12-related disorder. Also called: PRR12-related condition.

Allele frequency attached by ClinVar (database versions not stated): gnomAD 0.00001.
gnomAD v4.1: 16 of 1,589,324 alleles (0.001%); highest among the groups gnomAD compares: Middle Eastern, 0.016%; 1 homozygote.

Submissions (2):

Blueprint Genetics
Classification: Likely benign. Last evaluated: 2023-11-01. Review status: criteria provided, single submitter. Criteria: ACMG Guidelines, 2015. Collection method: clinical testing. Allele origin: germline.

PreventionGenetics, part of Exact Sciences
Classification: Likely benign for PRR12-related condition. Last evaluated: 2019-05-28. Review status: no assertion criteria provided. Collection method: clinical testing. Allele origin: germline. Not counted in ClinVar's aggregate classification.
Comment: This variant is classified as likely benign based on ACMG/AMP sequence variant interpretation guidelines (Richards et al. 2015 PMID: 25741868, with internal and published modifications).

NM_020719.3(PRR12):c.3219C>G (p.Leu1073=)

Gene: PRR12 (proline rich 12; plus strand). Cytogenetic location: 19q13.33.
Variant type: single nucleotide variant.
Coding change: c.3219C>G on transcript NM_020719.3 (MANE Select); coding-DNA position 3219, C replaced by G.
Protein change: p.Leu1073=; no amino-acid change (leucine 1073 retained).
Molecular consequence: synonymous variant.
Genome position (GRCh38, 1-based): chr19:49,597,554, C>G. VCF-style: chr19-49597554-C-G. GRCh37 (hg19) VCF-style: chr19-50100811-C-G.
Identifiers: ClinVar variation 3043981 (VCV003043981.3), dbSNP rs1277784332, ClinGen allele CA508289537.
Genomic context (GRCh38, chr19:49,597,554, plus strand): 5'-CGAACCCAAGGGTGGCCTCACCTCGCCCATCTTCTGCTCTACCAAGCCAAAGAAGCTGCT[C>G]AAGACATCCTCCTTCCACCTGCTGCGGCGCCGCGACCCACCCTTCCAGACCCCCAAGAAG-3'
Protein context (NP_065770.1, residues 1063-1083): IFCSTKPKKL[Leu1073=]KTSSFHLLRR